The following is an entry in ClinVar:

NM_001379659.1(ZNF142):c.3573A>T (p.Ser1191=)

Gene: ZNF142 (zinc finger protein 142; minus strand). Cytogenetic location: 2q35.
Variant type: single nucleotide variant.
Coding change: c.3573A>T on transcript NM_001379659.1 (MANE Select); coding-DNA position 3573, A replaced by T.
Protein change: p.Ser1191=; no amino-acid change (serine 1191 retained).
Molecular consequence: synonymous variant.
Genome position (GRCh38, 1-based): chr2:218,643,543, T>A on the plus strand (A>T on the coding strand, the complement: ZNF142 is on the minus strand). VCF-style: chr2-218643543-T-A. GRCh37 (hg19) VCF-style: chr2-219508266-T-A.
Other names: c.2973A>T, p.Ser991= (NM_001105537.5, NM_001366291.3, NM_001379662.1); c.2484A>T, p.Ser828= (NM_001366287.3, NM_001366288.3, NM_001366289.3); c.3573A>T, p.Ser1191= (NM_001366290.3, NM_001379660.1, NM_001379661.1).
Identifiers: ClinVar variation 2651891 (VCV002651891.24), dbSNP rs1362873276, ClinGen allele CA431410673.

ClinVar aggregate classification (germline): Likely benign (1 of 4 stars; one submission).

gnomAD v4.1: 1 of 1,608,162 alleles (0.000062%); highest among the groups gnomAD compares: Non-Finnish European, 0.000085%; no homozygotes.

Submission:

CeGaT Center for Human Genetics Tuebingen
Classification: Likely benign. Last evaluated: 2022-06-01. Review status: criteria provided, single submitter. Criteria: CeGaT Center For Human Genetics Tuebingen Variant Classification Criteria Version 2. Collection method: clinical testing. Allele origin: germline. Affected: yes. Observed: 1 variant allele.
Comment: ZNF142: PM2:Supporting, BP4, BP7